The following is an entry in ClinVar:

NM_001939.3(DRP2):c.1211G>A (p.Arg404His)

Gene: DRP2 (dystrophin related protein 2; plus strand). Cytogenetic location: Xq22.1.
Variant type: single nucleotide variant.
Coding change: c.1211G>A on transcript NM_001939.3 (MANE Select); coding-DNA position 1211, G replaced by A.
Protein change: p.Arg404His; replaces arginine 404 with histidine.
Molecular consequence: missense variant.
Genome position (GRCh38, 1-based): chrX:101,247,123, G>A. VCF-style: chrX-101247123-G-A. GRCh37 (hg19) VCF-style: chrX-100502112-G-A.
Other names: c.977G>A, p.Arg326His (NM_001171184.2); short protein forms R326H, R404H.
Identifiers: ClinVar variation 2798063 (VCV002798063.3), dbSNP rs2520276069, ClinGen allele CA413923399.
Genomic context (GRCh38, chrX:101,247,123, plus strand): 5'-GAGTGGGTCTCTCTCCATTCTTTGCAGCTGATCTGAACAACATTAAGTTCTCAGCTTATC[G>A]CACTGCCATGAAACTCCGCAGAGTCCAGAAAGCCCTGCGCTGTACGTCTCCTGTTGTACT-3'
Protein context (NP_001930.2, residues 394-414): DLNNIKFSAY[Arg404His]TAMKLRRVQK

ClinVar aggregate classification (germline): Uncertain significance (1 of 4 stars; one submission).

Allele frequency attached by ClinVar (database versions not stated): gnomAD exomes 0.00001.
gnomAD v4.1: 8 of 1,210,311 alleles (0.00066%); highest among the groups gnomAD compares: Non-Finnish European, 0.00089%; no homozygotes.

Submission:

Labcorp Genetics (formerly Invitae), Labcorp
Classification: Uncertain significance. Last evaluated: 2023-10-29. Review status: criteria provided, single submitter. Criteria: Invitae Variant Classification Sherloc (09022015). Collection method: clinical testing. Allele origin: germline.
Comment: This sequence change replaces arginine, which is basic and polar, with histidine, which is basic and polar, at codon 404 of the DRP2 protein (p.Arg404His). This variant is not present in population databases (gnomAD no frequency). This variant has not been reported in the literature in individuals affected with DRP2-related conditions. Advanced modeling of protein sequence and biophysical properties (such as structural, functional, and spatial information, amino acid conservation, physicochemical variation, residue mobility, and thermodynamic stability) has been performed at Invitae for this missense variant, however the output from this modeling did not meet the statistical confidence thresholds required to predict the impact of this variant on DRP2 protein function. In summary, the available evidence is currently insufficient to determine the role of this variant in disease. Therefore, it has been classified as a Variant of Uncertain Significance.